The following is an entry in ClinVar:

NM_017617.5(NOTCH1):c.563T>C (p.Leu188Pro)

Gene: NOTCH1 (notch receptor 1; minus strand). Cytogenetic location: 9q34.3.
Variant type: single nucleotide variant.
Coding change: c.563T>C on transcript NM_017617.5 (MANE Select); coding-DNA position 563, T replaced by C.
Protein change: p.Leu188Pro; replaces leucine 188 with proline.
Molecular consequence: missense variant.
Genome position (GRCh38, 1-based): chr9:136,523,029, A>G on the plus strand (T>C on the coding strand, the complement: NOTCH1 is on the minus strand). VCF-style: chr9-136523029-A-G. GRCh37 (hg19) VCF-style: chr9-139417481-A-G.
Other names: short protein forms L188P.
Identifiers: ClinVar variation 1708747 (VCV001708747.2), dbSNP rs1843399395, ClinGen allele CA375570195.

ClinVar aggregate classification (germline): Uncertain significance (1 of 4 stars; one submission).

Submission:

GeneDx
Classification: Uncertain significance. Last evaluated: 2022-04-06. Review status: criteria provided, single submitter. Criteria: GeneDx Variant Classification Process June 2021. Collection method: clinical testing. Allele origin: germline. Affected: yes.
Comment: Not observed at significant frequency in large population cohorts (gnomAD); In silico analysis supports that this missense variant does not alter protein structure/function; Has not been previously published as pathogenic or benign to our knowledge